The following is an entry in ClinVar:

ClinVar aggregate classification (germline): Pathogenic. Review status: reviewed by expert panel (3 of 4 stars). 5 submissions from 5 submitters: Pathogenic (1). 4 of the submissions do not count toward it. Last evaluated 2016-09-08.

Conditions:
Hereditary breast ovarian cancer syndrome. Also called: Hereditary breast and ovarian cancer syndrome; Hereditary breast and ovarian cancer; Hereditary breast and ovarian cancer syndrome (HBOC); Breast and ovarian cancer; Hereditary breast and/or ovarian cancer syndrome; BRCA1- and BRCA2-Associated Hereditary Breast and Ovarian Cancer. Identifiers: Orphanet 145, MedGen C0677776, MeSH D061325, MONDO:0003582. Disease mechanism: loss of function.
Breast-ovarian cancer, familial, susceptibility to, 2 (BROVCA2). Also called: BRCA2 Hereditary Breast and Ovarian Cancer. Identifiers: Orphanet 145, MedGen C2675520, MONDO:0012933, OMIM 612555. Disease mechanism: loss of function.
Hereditary cancer-predisposing syndrome. Also called: Neoplastic Syndromes, Hereditary; Tumor predisposition; Hereditary Cancer Syndrome; Hereditary neoplastic syndrome. Identifiers: Orphanet 140162, MedGen C0027672, MeSH D009386, MONDO:0015356.

Submissions (5):

Evidence-based Network for the Interpretation of Germline Mutant Alleles (ENIGMA)
Classification: Pathogenic for Breast-ovarian cancer, familial, susceptibility to, 2. Last evaluated: 2016-09-08. Review status: reviewed by expert panel. Criteria: ENIGMA BRCA1/2 Classification Criteria (2015). Collection method: curation. Allele origin: germline.
Comment: Variant allele predicted to encode a truncated non-functional protein.

Ambry Genetics
Classification: Pathogenic for Hereditary cancer-predisposing syndrome. Last evaluated: 2022-12-01. Review status: criteria provided, single submitter. Criteria: Ambry Variant Classification Scheme 2023. Collection method: clinical testing. Allele origin: germline. Not counted in ClinVar's aggregate classification.
Comment: The c.4314delC pathogenic mutation, located in coding exon 10 of the BRCA2 gene, results from a deletion of one nucleotide at nucleotide position 4314, causing a translational frameshift with a predicted alternate stop codon (p.A1439Pfs*9). This alteration has been detected in multiple breast and/or ovarian cancer familes (Peelen T et al. Br J Cancer, 2000 Jan;82:151-6; Teixeira N et al. Eur J Hum Genet, 2018 Jun;26:848-857; Rebbeck TR et al. Hum Mutat, 2018 May;39:593-620). Of note, this alteration is also designated as 4542delC in the literature. In addition to the clinical data presented in the literature, this alteration is expected to result in loss of function by premature protein truncation or nonsense-mediated mRNA decay. As such, this alteration is interpreted as a disease-causing mutation.

Labcorp Genetics (formerly Invitae), Labcorp
Classification: Pathogenic for Hereditary breast ovarian cancer syndrome. Last evaluated: 2021-04-27. Review status: criteria provided, single submitter. Criteria: Invitae Variant Classification Sherloc (09022015). Collection method: clinical testing. Allele origin: germline. Not counted in ClinVar's aggregate classification.
Comment: This sequence change creates a premature translational stop signal (p.Ala1439Profs*9) in the BRCA2 gene. It is expected to result in an absent or disrupted protein product. Loss-of-function variants in BRCA2 are known to be pathogenic (PMID: 20104584). This variant is not present in population databases (ExAC no frequency). This variant has been observed in individual(s) with hereditary breast and ovarian cancer (PMID: 10638982, 19949876). This variant is also known as 4542delC in the literature. ClinVar contains an entry for this variant (Variation ID: 51629). For these reasons, this variant has been classified as Pathogenic.

Consortium of Investigators of Modifiers of BRCA1/2 (CIMBA), c/o University of Cambridge
Classification: Pathogenic for Breast-ovarian cancer, familial, susceptibility to, 2. Last evaluated: 2015-10-02. Review status: criteria provided, single submitter. Criteria: CIMBA Mutation Classification guidelines May 2016. Collection method: clinical testing. Allele origin: germline. Not counted in ClinVar's aggregate classification.

Breast Cancer Information Core (BIC) (BRCA2)
Classification: Pathogenic for Breast-ovarian cancer, familial 2. Review status: no assertion criteria provided. Collection method: clinical testing. Allele origin: unknown. Affected: yes. Observed: 1 variant allele. Not counted in ClinVar's aggregate classification.

Literature cited by the submitters: PubMed 10638982 (cited by Ambry Genetics and Labcorp Genetics (formerly Invitae), Labcorp); PubMed 29446198 (cited by Ambry Genetics); PubMed 29483665 (cited by Ambry Genetics); PubMed 20104584 (cited by Labcorp Genetics (formerly Invitae), Labcorp); PubMed 19949876 (cited by Labcorp Genetics (formerly Invitae), Labcorp).

NM_000059.4(BRCA2):c.4314del (p.Ala1439fs)

Gene: BRCA2 (BRCA2 DNA repair associated; plus strand). Cytogenetic location: 13q13.1.
Variant type: Deletion.
Coding change: c.4314del on transcript NM_000059.4 (MANE Select); coding-DNA position 4314, one base deleted (C; older notation c.4314delC).
Protein change: p.Ala1439fs; shifts the reading frame from alanine 1439.
Molecular consequence: frameshift variant.
Genome position (GRCh38, 1-based): chr13:32,338,669, C deleted. VCF-style (leftmost placement, unchanged base first): chr13-32338668-TC-T. GRCh37 (hg19) VCF-style: chr13-32912805-TC-T.
Other names: 4542delC; c.4314delC (NM_000059.3).
Identifiers: ClinVar variation 51629 (VCV000051629.15), dbSNP rs80359441, ClinGen allele CA019954.
Genomic context (GRCh38, chr13:32,338,668, plus strand): 5'-TAAAAGATTTTGAGACTTCTGATACATTTTTTCAGACTGCAAGTGGGAAAAATATTAGTG[TC>T]GCCAAAGAGTCATTTAATAAAATTGTAAATTTCTTTGATCAGAAACCAGAAGAATTGCAT-3'